The following is an entry in ClinVar:

NM_003924.4(PHOX2B):c.791C>G (p.Ala264Gly)

Gene: PHOX2B (paired like homeobox 2B; minus strand). Cytogenetic location: 4p13.
Variant type: single nucleotide variant.
Coding change: c.791C>G on transcript NM_003924.4 (MANE Select); coding-DNA position 791, C replaced by G.
Protein change: p.Ala264Gly; replaces alanine 264 with glycine.
Molecular consequence: missense variant.
Genome position (GRCh38, 1-based): chr4:41,745,961, G>C on the plus strand (C>G on the coding strand, the complement: PHOX2B is on the minus strand). VCF-style: chr4-41745961-G-C. GRCh37 (hg19) VCF-style: chr4-41747978-G-C.
Other names: short protein forms A264G.
Identifiers: ClinVar variation 827332 (VCV000827332.16), dbSNP rs779924196, ClinGen allele CA2901419.

ClinVar aggregate classification (germline): Uncertain significance. Review status: criteria provided, multiple submitters, no conflicts (2 of 4 stars). 3 submissions from 3 submitters: Uncertain significance (3). Last evaluated 2025-11-11.

Conditions:
Hereditary cancer-predisposing syndrome. Also called: Neoplastic Syndromes, Hereditary; Tumor predisposition; Hereditary neoplastic syndrome; Hereditary Cancer Syndrome. Identifiers: Orphanet 140162, MedGen C0027672, MeSH D009386, MONDO:0015356.
Haddad syndrome (OHD). Also called: Ondine-Hirschsprung disease. Identifiers: Orphanet 99803, MedGen C1859049, MONDO:0020493.

Allele frequency attached by ClinVar (database versions not stated): gnomAD exomes below 0.00001 and 0.00001; ExAC 0.00001.
gnomAD v4.1: 4 of 1,412,656 alleles (0.00028%); highest among the groups gnomAD compares: Admixed American, 0.0023%; no homozygotes.

Submissions (3):

Ambry Genetics
Classification: Uncertain significance for Hereditary cancer-predisposing syndrome. Last evaluated: 2025-11-11. Review status: criteria provided, single submitter. Criteria: Ambry Variant Classification Scheme 2023. Collection method: clinical testing. Allele origin: germline.
Comment: The p.A264G variant (also known as c.791C>G), located in coding exon 3 of the PHOX2B gene, results from a C to G substitution at nucleotide position 791. The alanine at codon 264 is replaced by glycine, an amino acid with similar properties. This amino acid position is not well conserved in available vertebrate species. In addition, this alteration is predicted to be tolerated by in silico analysis. Since supporting evidence is limited at this time, the clinical significance of this alteration remains unclear.

GeneDx
Classification: Uncertain significance. Last evaluated: 2023-12-27. Review status: criteria provided, single submitter. Criteria: GeneDx Variant Classification Process June 2021. Collection method: clinical testing. Allele origin: germline. Affected: yes.
Comment: Not observed at significant frequency in large population cohorts (gnomAD); In silico analysis supports that this missense variant does not alter protein structure/function; Has not been previously published as pathogenic or benign to our knowledge

Labcorp Genetics (formerly Invitae), Labcorp
Classification: Uncertain significance for Haddad syndrome. Last evaluated: 2023-09-10. Review status: criteria provided, single submitter. Criteria: Invitae Variant Classification Sherloc (09022015). Collection method: clinical testing. Allele origin: germline.
Comment: Experimental studies and prediction algorithms are not available or were not evaluated, and the functional significance of this variant is currently unknown. This variant is present in population databases (rs779924196, gnomAD 0.006%). This variant has not been reported in the literature in individuals affected with PHOX2B-related conditions. ClinVar contains an entry for this variant (Variation ID: 827332). In summary, the available evidence is currently insufficient to determine the role of this variant in disease. Therefore, it has been classified as a Variant of Uncertain Significance. This sequence change replaces alanine, which is neutral and non-polar, with glycine, which is neutral and non-polar, at codon 264 of the PHOX2B protein (p.Ala264Gly).